The following is an entry in ClinVar:

ClinVar aggregate classification (germline): Uncertain significance (1 of 4 stars; one submission).

Conditions:
Hyperkalemic periodic paralysis. Also called: Familial hyperkalemic periodic paralysis; Gamstorp disease. Identifiers: Orphanet 682, MedGen C0238357, MONDO:0008224, OMIM 170500, HP:0007215.

gnomAD v4.1: 1 of 1,612,740 alleles (0.000062%); highest among the groups gnomAD compares: Non-Finnish European, 0.000085%; no homozygotes.

Submission:

Labcorp Genetics (formerly Invitae), Labcorp
Classification: Uncertain significance for Hyperkalemic periodic paralysis. Last evaluated: 2024-02-12. Review status: criteria provided, single submitter. Criteria: Invitae Variant Classification Sherloc (09022015). Collection method: clinical testing. Allele origin: germline.
Comment: This sequence change replaces isoleucine, which is neutral and non-polar, with phenylalanine, which is neutral and non-polar, at codon 430 of the SCN4A protein (p.Ile430Phe). This variant is not present in population databases (gnomAD no frequency). This variant has not been reported in the literature in individuals affected with SCN4A-related conditions. Advanced modeling of protein sequence and biophysical properties (such as structural, functional, and spatial information, amino acid conservation, physicochemical variation, residue mobility, and thermodynamic stability) has been performed at Invitae for this missense variant, however the output from this modeling did not meet the statistical confidence thresholds required to predict the impact of this variant on SCN4A protein function. In summary, the available evidence is currently insufficient to determine the role of this variant in disease. Therefore, it has been classified as a Variant of Uncertain Significance.

NM_000334.4(SCN4A):c.1288A>T (p.Ile430Phe)

Gene: SCN4A (sodium voltage-gated channel alpha subunit 4; minus strand). Cytogenetic location: 17q23.3.
Variant type: single nucleotide variant.
Coding change: c.1288A>T on transcript NM_000334.4 (MANE Select); coding-DNA position 1288, A replaced by T.
Protein change: p.Ile430Phe; replaces isoleucine 430 with phenylalanine.
Molecular consequence: missense variant.
Genome position (GRCh38, 1-based): chr17:63,964,632, T>A on the plus strand (A>T on the coding strand, the complement: SCN4A is on the minus strand). VCF-style: chr17-63964632-T-A. GRCh37 (hg19) VCF-style: chr17-62041992-T-A.
Other names: short protein forms I430F.
Identifiers: ClinVar variation 3640382 (VCV003640382.2).